The following is an entry in ClinVar:

ClinVar aggregate classification (germline): Uncertain significance (1 of 4 stars; one submission).

Allele frequency attached by ClinVar (database versions not stated): gnomAD exomes below 0.00001; gnomAD 0.00001.
gnomAD v4.1: 2 of 1,593,298 alleles (0.00013%); highest among the groups gnomAD compares: African/African-American, 0.0027%; no homozygotes.

Submission:

Labcorp Genetics (formerly Invitae), Labcorp
Classification: Uncertain significance. Last evaluated: 2022-07-20. Review status: criteria provided, single submitter. Criteria: Invitae Variant Classification Sherloc (09022015). Collection method: clinical testing. Allele origin: germline.
Comment: This sequence change falls in intron 8 of the EFEMP1 gene. It does not directly change the encoded amino acid sequence of the EFEMP1 protein. It affects a nucleotide within the consensus splice site. This variant is not present in population databases (gnomAD no frequency). This variant has not been reported in the literature in individuals affected with EFEMP1-related conditions. Variants that disrupt the consensus splice site are a relatively common cause of aberrant splicing (PMID: 17576681, 9536098). Algorithms developed to predict the effect of sequence changes on RNA splicing suggest that this variant is not likely to affect RNA splicing. In summary, the available evidence is currently insufficient to determine the role of this variant in disease. Therefore, it has been classified as a Variant of Uncertain Significance.

Literature cited by the submitters: PubMed 17576681; PubMed 9536098.

NM_001039348.3(EFEMP1):c.881-3C>T

Gene: EFEMP1 (EGF-like fibulin extracellular matrix protein 1; minus strand). Cytogenetic location: 2p16.1.
Variant type: single nucleotide variant.
Coding change: c.881-3C>T on transcript NM_001039348.3 (MANE Select); 3 bases into the intron before coding-DNA position 881, C replaced by T.
Molecular consequence: intron variant.
Genome position (GRCh38, 1-based): chr2:55,875,068, G>A on the plus strand (C>T on the coding strand, the complement: EFEMP1 is on the minus strand). VCF-style: chr2-55875068-G-A. GRCh37 (hg19) VCF-style: chr2-56102203-G-A.
Other names: c.881-3C>T (NM_001039349.3).
Identifiers: ClinVar variation 1948920 (VCV001948920.5), dbSNP rs1206272552, ClinGen allele CA770321015.